The following is an entry in ClinVar:

ClinVar aggregate classification (germline): Uncertain significance (1 of 4 stars; one submission).

Conditions:
Catecholaminergic polymorphic ventricular tachycardia 1. Also called: VENTRICULAR TACHYCARDIA, CATECHOLAMINERGIC POLYMORPHIC, 1, WITH OR WITHOUT ATRIAL DYSFUNCTION AND/OR DILATED CARDIOMYOPATHY; RYR2-Related Catecholaminergic Polymorphic Ventricular Tachycardia; VENTRICULAR TACHYCARDIA, STRESS-INDUCED POLYMORPHIC 1. Identifiers: Orphanet 3286, MedGen C1631597, MONDO:0011484, OMIM 604772.

Submission:

Labcorp Genetics (formerly Invitae), Labcorp
Classification: Uncertain significance for Catecholaminergic polymorphic ventricular tachycardia 1. Last evaluated: 2022-07-03. Review status: criteria provided, single submitter. Criteria: Invitae Variant Classification Sherloc (09022015). Collection method: clinical testing. Allele origin: germline.
Comment: In summary, the available evidence is currently insufficient to determine the role of this variant in disease. Therefore, it has been classified as a Variant of Uncertain Significance. Advanced modeling of protein sequence and biophysical properties (such as structural, functional, and spatial information, amino acid conservation, physicochemical variation, residue mobility, and thermodynamic stability) performed at Invitae indicates that this missense variant is expected to disrupt RYR2 protein function. This variant has not been reported in the literature in individuals affected with RYR2-related conditions. This variant is not present in population databases (gnomAD no frequency). This sequence change replaces threonine, which is neutral and polar, with serine, which is neutral and polar, at codon 4338 of the RYR2 protein (p.Thr4338Ser).

NM_001035.3(RYR2):c.13012A>T (p.Thr4338Ser)

Genes: RYR2 (ryanodine receptor 2; plus strand), LOC126806068 (BRD4-independent group 4 enhancer GRCh37_chr1:237947411-237948610; plus strand). Cytogenetic location: 1q43.
Variant type: single nucleotide variant.
Coding change: c.13012A>T on transcript NM_001035.3 (MANE Select); coding-DNA position 13012, A replaced by T.
Protein change: p.Thr4338Ser; replaces threonine 4338 with serine.
Molecular consequence: missense variant.
Genome position (GRCh38, 1-based): chr1:237,784,724, A>T. VCF-style: chr1-237784724-A-T. GRCh37 (hg19) VCF-style: chr1-237948024-A-T.
Other names: short protein forms T4338S.
Identifiers: ClinVar variation 2112912 (VCV002112912.4), dbSNP rs1695408864, ClinGen allele CA345415010.